The following is an entry in ClinVar:

ClinVar aggregate classification (germline): Benign. Review status: criteria provided, multiple submitters, no conflicts (2 of 4 stars). 3 submissions from 3 submitters: Benign (3). Last evaluated 2026-01-28.

Allele frequency attached by ClinVar (database versions not stated): gnomAD 0.03177; gnomAD exomes 0.01877; ESP Exome Variant Server 0.03329; ExAC 0.02151; TOPMed 0.03879; 1000 Genomes Project 0.05671.
gnomAD v4.1: 17,966 of 1,612,390 alleles (1.1%); highest among the groups gnomAD compares: African/African-American, 11%; 898 homozygotes.

Submissions (3):

Labcorp Genetics (formerly Invitae), Labcorp
Classification: Benign. Last evaluated: 2026-01-28. Review status: criteria provided, single submitter. Criteria: Invitae Variant Classification Sherloc (09022015). Collection method: clinical testing. Allele origin: germline.

GeneDx
Classification: Benign. Last evaluated: 2017-10-09. Review status: criteria provided, single submitter. Criteria: GeneDx Variant Classification (06012015). Collection method: clinical testing. Allele origin: germline. Affected: yes.
Comment: This variant is considered likely benign or benign based on one or more of the following criteria: it is a conservative change, it occurs at a poorly conserved position in the protein, it is predicted to be benign by multiple in silico algorithms, and/or has population frequency not consistent with disease.

Breakthrough Genomics
Classification: Benign. Review status: criteria provided, single submitter. Criteria: ACMG Guidelines, 2015. Collection method: not provided. Allele origin: germline. Inheritance: Autosomal dominant inheritance. Affected: yes.

NM_004526.4(MCM2):c.674-6T>C

Gene: MCM2 (minichromosome maintenance complex component 2; plus strand). Cytogenetic location: 3q21.3.
Variant type: single nucleotide variant.
Coding change: c.674-6T>C on transcript NM_004526.4 (MANE Select); 6 bases into the intron before coding-DNA position 674, T replaced by C.
Molecular consequence: intron variant.
Genome position (GRCh38, 1-based): chr3:127,606,112, T>C. VCF-style: chr3-127606112-T-C. GRCh37 (hg19) VCF-style: chr3-127324955-T-C.
Identifiers: ClinVar variation 509129 (VCV000509129.8), dbSNP rs2307315, ClinGen allele CA2595683.